The following is an entry in ClinVar:

Conditions:
Long QT syndrome 5 (LQT5). Identifiers: Orphanet 101016, Orphanet 768, MedGen C1867904, MONDO:0013372, OMIM 613695.

Submission:

Roden Lab, Vanderbilt University Medical Center
No classification provided (evidence only). Condition: Long QT syndrome 5. Review status: no classification provided. Collection method: in vitro. Allele origin: not applicable. Functional consequence: Effect on ion channel function.
ClinVar note: "not provided" was previously submitted as the classification for the variant. However, the classification appeared to be based only on an observation of functional data so it was converted to no classification on 2025-07-30.

NM_000219.6(KCNE1):c.278C>T (p.Ala93Val)

Gene: KCNE1 (potassium voltage-gated channel subfamily E regulatory subunit 1; minus strand). Cytogenetic location: 21q22.12.
Variant type: single nucleotide variant.
Coding change: c.278C>T on transcript NM_000219.6 (MANE Select); coding-DNA position 278, C replaced by T.
Protein change: p.Ala93Val; replaces alanine 93 with valine.
Molecular consequence: missense variant.
Genome position (GRCh38, 1-based): chr21:34,449,357, G>A on the plus strand (C>T on the coding strand, the complement: KCNE1 is on the minus strand). VCF-style: chr21-34449357-G-A. GRCh37 (hg19) VCF-style: chr21-35821655-G-A.
Other names: c.278C>T, p.Ala93Val (NM_001127668.4, NM_001127669.4, NM_001127670.4 and 4 more transcripts); short protein forms A93V.
Identifiers: ClinVar variation 3374515 (VCV003374515.2).